The following is an entry in ClinVar:

NM_004168.4(SDHA):c.1182C>A (p.Asp394Glu)

Gene: SDHA (succinate dehydrogenase complex flavoprotein subunit A; plus strand). Cytogenetic location: 5p15.33.
Variant type: single nucleotide variant.
Coding change: c.1182C>A on transcript NM_004168.4 (MANE Select); coding-DNA position 1182, C replaced by A.
Protein change: p.Asp394Glu; replaces aspartic acid 394 with glutamic acid.
Molecular consequence: missense variant.
Genome position (GRCh38, 1-based): chr5:235,261, C>A. VCF-style: chr5-235261-C-A. GRCh37 (hg19) VCF-style: chr5-235376-C-A.
Other names: c.1038C>A, p.Asp346Glu (NM_001294332.2); c.1182C>A, p.Asp394Glu (NM_001330758.2); short protein forms D346E, D394E.
Identifiers: ClinVar variation 2114037 (VCV002114037.4), dbSNP rs377317558, ClinGen allele CA359013620.
Genomic context (GRCh38, chr5:235,261, plus strand): 5'-GCAGCTGGCCACGCGCCTGCCTGGCATTTCAGAGACAGCCATGATCTTCGCTGGCGTGGA[C>A]GTCACGAAGGAGCCGATCCCTGTCCTCCCCACCGTGCATTATAACATGGGCGGCATTCCC-3'
Protein context (NP_004159.2, residues 384-404): SETAMIFAGV[Asp394Glu]VTKEPIPVLP

ClinVar aggregate classification (germline): Uncertain significance (1 of 4 stars; one submission).

Conditions:
Pheochromocytoma/paraganglioma syndrome 5. Also called: Paragangliomas 5; SDHA-Related Hereditary Paraganglioma-Pheochromocytoma Syndrome. Identifiers: Orphanet 29072, MedGen C3279992, MONDO:0013602, OMIM 614165.
Mitochondrial complex II deficiency, nuclear type 1. Also called: SUCCINATE CoQ REDUCTASE DEFICIENCY. Identifiers: Orphanet 3208, MedGen C5700310, MONDO:0100294, OMIM 252011.

Submission:

Labcorp Genetics (formerly Invitae), Labcorp
Classification: Uncertain significance for Pheochromocytoma/paraganglioma syndrome 5; Mitochondrial complex II deficiency, nuclear type 1. Last evaluated: 2022-03-18. Review status: criteria provided, single submitter. Criteria: Invitae Variant Classification Sherloc (09022015). Collection method: clinical testing. Allele origin: germline.
Comment: This sequence change replaces aspartic acid, which is acidic and polar, with glutamic acid, which is acidic and polar, at codon 394 of the SDHA protein (p.Asp394Glu). This variant is not present in population databases (gnomAD no frequency). This variant has not been reported in the literature in individuals affected with SDHA-related conditions. Advanced modeling of protein sequence and biophysical properties (such as structural, functional, and spatial information, amino acid conservation, physicochemical variation, residue mobility, and thermodynamic stability) performed at Invitae indicates that this missense variant is not expected to disrupt SDHA protein function. In summary, the available evidence is currently insufficient to determine the role of this variant in disease. Therefore, it has been classified as a Variant of Uncertain Significance.